The following is an entry in ClinVar:

ClinVar aggregate classification (germline): Uncertain significance (1 of 4 stars; one submission).

Conditions:
Cardiovascular phenotype. Identifiers: MedGen CN230736.

gnomAD v4.1: 1 of 1,614,182 alleles (0.000062%); highest among the groups gnomAD compares: African/African-American, 0.0013%; no homozygotes.

Submission:

Ambry Genetics
Classification: Uncertain significance for Cardiovascular phenotype. Last evaluated: 2025-10-12. Review status: criteria provided, single submitter. Criteria: Ambry Variant Classification Scheme 2023. Collection method: clinical testing. Allele origin: germline.
Comment: The p.N983K variant (also known as c.2949C>A), located in coding exon 19 of the APOB gene, results from a C to A substitution at nucleotide position 2949. The asparagine at codon 983 is replaced by lysine, an amino acid with similar properties. This amino acid position is conserved. In addition, this alteration is predicted to be tolerated by in silico analysis. Based on the available evidence, the clinical significance of this variant remains unclear.

NM_000384.3(APOB):c.2949C>A (p.Asn983Lys)

Gene: APOB (apolipoprotein B; minus strand). Cytogenetic location: 2p24.1.
Variant type: single nucleotide variant.
Coding change: c.2949C>A on transcript NM_000384.3 (MANE Select); coding-DNA position 2949, C replaced by A.
Protein change: p.Asn983Lys; replaces asparagine 983 with lysine.
Molecular consequence: missense variant.
Genome position (GRCh38, 1-based): chr2:21,019,773, G>T on the plus strand (C>A on the coding strand, the complement: APOB is on the minus strand). VCF-style: chr2-21019773-G-T. GRCh37 (hg19) VCF-style: chr2-21242645-G-T.
Other names: short protein forms N983K.
Identifiers: ClinVar variation 4613660 (VCV004613660.1).